The following is an entry in ClinVar:

ClinVar aggregate classification (germline): Uncertain significance (1 of 4 stars; one submission).

Allele frequency attached by ClinVar (database versions not stated): ExAC 0.00001.

Submission:

Ambry Genetics
Classification: Uncertain significance. Last evaluated: 2021-12-11. Review status: criteria provided, single submitter. Criteria: Ambry Variant Classification Scheme 2023. Collection method: clinical testing. Allele origin: germline.
Comment: The p.P739Q variant (also known as c.2216C>A), located in coding exon 1 of the MLH3 gene, results from a C to A substitution at nucleotide position 2216. The proline at codon 739 is replaced by glutamine, an amino acid with similar properties. This amino acid position is conserved. In addition, this alteration is predicted to be tolerated by in silico analysis. Since supporting evidence is limited at this time, the clinical significance of this alteration remains unclear.

NM_001040108.2(MLH3):c.2216C>A (p.Pro739Gln)

Gene: MLH3 (mutL homolog 3; minus strand). Cytogenetic location: 14q24.3.
Variant type: single nucleotide variant.
Coding change: c.2216C>A on transcript NM_001040108.2 (MANE Select); coding-DNA position 2216, C replaced by A.
Protein change: p.Pro739Gln; replaces proline 739 with glutamine.
Molecular consequence: missense variant.
Genome position (GRCh38, 1-based): chr14:75,047,440, G>T on the plus strand (C>A on the coding strand, the complement: MLH3 is on the minus strand). VCF-style: chr14-75047440-G-T. GRCh37 (hg19) VCF-style: chr14-75514143-G-T.
Other names: c.2216C>A, p.Pro739Gln (NM_014381.3); short protein forms P739Q.
Identifiers: ClinVar variation 1787840 (VCV001787840.2), dbSNP rs757038362, ClinGen allele CA7275735.